The following is an entry in ClinVar:

NM_020971.3(SPTBN4):c.6584T>C (p.Leu2195Pro)

Gene: SPTBN4 (spectrin beta, non-erythrocytic 4; plus strand). Cytogenetic location: 19q13.2.
Variant type: single nucleotide variant.
Coding change: c.6584T>C on transcript NM_020971.3 (MANE Select); coding-DNA position 6584, T replaced by C.
Protein change: p.Leu2195Pro; replaces leucine 2195 with proline.
Molecular consequence: missense variant.
Genome position (GRCh38, 1-based): chr19:40,567,910, T>C. VCF-style: chr19-40567910-T-C. GRCh37 (hg19) VCF-style: chr19-41073816-T-C.
Other names: short protein forms L2195P.
Identifiers: ClinVar variation 3169616 (VCV003169616.2), dbSNP rs1034381862, ClinGen allele CA308423818.

ClinVar aggregate classification (germline): Uncertain significance. Review status: criteria provided, multiple submitters, no conflicts (2 of 4 stars). 2 submissions from 2 submitters: Uncertain significance (2). Last evaluated 2026-06-29.

Conditions:
SPTBN4-related disorder. Also called: SPTBN4-related condition.
Inborn genetic diseases. Identifiers: MedGen C0950123, MeSH D030342.

Allele frequency attached by ClinVar (database versions not stated): gnomAD exomes below 0.00001; gnomAD 0.00004; TOPMed 0.00005.
gnomAD v4.1: 11 of 1,522,588 alleles (0.00072%); highest among the groups gnomAD compares: African/African-American, 0.0087%; no homozygotes.

Submissions (2):

PreventionGenetics, part of Exact Sciences
Classification: Uncertain significance for SPTBN4-related condition. Last evaluated: 2026-06-29. Review status: criteria provided, single submitter. Criteria: ACMG Guidelines, 2015. Collection method: clinical testing. Allele origin: germline.
Comment: The SPTBN4 c.6584T>C variant is predicted to result in the amino acid substitution p.Leu2195Pro. To our knowledge, this variant has not been reported in the literature. This variant is reported in 0.0093% of alleles in individuals of Latino descent in gnomAD. At this time, the clinical significance of this variant is uncertain due to the absence of conclusive functional and genetic evidence.

Ambry Genetics
Classification: Uncertain significance for Inborn genetic diseases. Last evaluated: 2024-01-24. Review status: criteria provided, single submitter. Criteria: Ambry Variant Classification Scheme 2023. Collection method: clinical testing. Allele origin: germline.